The following is an entry in ClinVar:

NM_206933.4(USH2A):c.3746C>A (p.Pro1249His)

Genes: USH2A (usherin; minus strand), USH2A-AS1 (USH2A antisense RNA 1; plus strand). Cytogenetic location: 1q41.
Variant type: single nucleotide variant.
Coding change: c.3746C>A on transcript NM_206933.4 (MANE Select); coding-DNA position 3746, C replaced by A.
Protein change: p.Pro1249His; replaces proline 1249 with histidine.
Molecular consequence: missense variant.
Genome position (GRCh38, 1-based): chr1:216,199,692, G>T on the plus strand (C>A on the coding strand, the complement: USH2A is on the minus strand). VCF-style: chr1-216199692-G-T. GRCh37 (hg19) VCF-style: chr1-216373034-G-T.
Other names: c.3746C>A, p.Pro1249His (NM_007123.6); short protein forms P1249H.
Identifiers: ClinVar variation 1005996 (VCV001005996.10), dbSNP rs2034937106, ClinGen allele CA344867779.

ClinVar aggregate classification (germline): Uncertain significance (1 of 4 stars; one submission).

Allele frequency attached by ClinVar (database versions not stated): TOPMed below 0.00001; gnomAD 0.00001.
gnomAD v4.1: 1 of 1,613,952 alleles (0.000062%); highest among the groups gnomAD compares: African/African-American, 0.0013%; no homozygotes.

Submission:

Labcorp Genetics (formerly Invitae), Labcorp
Classification: Uncertain significance. Last evaluated: 2022-07-05. Review status: criteria provided, single submitter. Criteria: Invitae Variant Classification Sherloc (09022015). Collection method: clinical testing. Allele origin: germline.
Comment: This sequence change replaces proline, which is neutral and non-polar, with histidine, which is basic and polar, at codon 1249 of the USH2A protein (p.Pro1249His). This variant is not present in population databases (gnomAD no frequency). This missense change has been observed in individual(s) with retinitis pigmentosa (Invitae). ClinVar contains an entry for this variant (Variation ID: 1005996). Algorithms developed to predict the effect of missense changes on protein structure and function are either unavailable or do not agree on the potential impact of this missense change (SIFT: "Deleterious"; PolyPhen-2: "Probably Damaging"; Align-GVGD: "Class C0"). This variant disrupts the p.Pro1249 amino acid residue in USH2A. Other variant(s) that disrupt this residue have been observed in individuals with USH2A-related conditions (PMID: 25333064, 33691693), which suggests that this may be a clinically significant amino acid residue. In summary, the available evidence is currently insufficient to determine the role of this variant in disease. Therefore, it has been classified as a Variant of Uncertain Significance.

Literature cited by the submitters: PubMed 25333064; PubMed 33691693.